The following is an entry in ClinVar:

ClinVar aggregate classification (germline): Likely pathogenic (1 of 4 stars; one submission).

Conditions:
Diets-Jongmans syndrome. Also called: INTELLECTUAL DEVELOPMENTAL DISORDER WITH DISTINCTIVE FACIAL DYSMORPHISM. Identifiers: MedGen C5394263, MONDO:0030012, OMIM 618846.

Submission:

Broad Center for Mendelian Genomics, Broad Institute of MIT and Harvard
Classification: Likely pathogenic for Diets-Jongmans syndrome. Last evaluated: 2026-03-02. Review status: criteria provided, single submitter. Criteria: ACMG Guidelines, 2015. Collection method: research. Allele origin: germline. Inheritance: Autosomal dominant inheritance.
Comment: The p.Glu1608ArgfsTer70 variant in KDM3B has not been previously reported in the literature in individuals with Diets-Jongmans syndrome and was absent from large population studies. This variant is predicted to cause a frameshift, which alters the protein’s amino acid sequence beginning at position 1608 and leads to a premature termination codon 70 amino acids downstream. This alteration is then predicted to lead to a truncated or absent protein. Heterozygous loss of function of the KDM3B gene is an established disease mechanism in Diets-Jongmans syndrome. In summary, although additional studies are required to fully establish its clinical significance, this variant is likely pathogenic for autosomal dominant Diets-Jongmans syndrome. ACMG/AMP Criteria applied: PVS1, PM2_supporting (Richards 2015).

NM_016604.4(KDM3B):c.4821del (p.Glu1608fs)

Gene: KDM3B (lysine demethylase 3B; plus strand). Cytogenetic location: 5q31.2.
Variant type: Deletion.
Coding change: c.4821del on transcript NM_016604.4 (MANE Select); coding-DNA position 4821, one base deleted (A; older notation c.4821delA).
Protein change: p.Glu1608fs; shifts the reading frame from glutamic acid 1608.
Molecular consequence: frameshift variant.
Genome position (GRCh38, 1-based): chr5:138,429,893, A deleted; the last of 4 consecutive A bases (chr5:138,429,890-138,429,893); deleting any one gives the same sequence. VCF-style (leftmost placement, unchanged base first): chr5-138429889-GA-G. GRCh37 (hg19) VCF-style: chr5-137765578-GA-G.
Other names: NM_016604.4:c.4821del; short protein forms E1608fs.
Identifiers: ClinVar variation 4819449 (VCV004819449.1).